The following is an entry in ClinVar:

NM_001367624.2(ZNF469):c.2164G>T (p.Ala722Ser)

Gene: ZNF469 (zinc finger protein 469; plus strand). Cytogenetic location: 16q24.2.
Variant type: single nucleotide variant.
Coding change: c.2164G>T on transcript NM_001367624.2 (MANE Select); coding-DNA position 2164, G replaced by T.
Protein change: p.Ala722Ser; replaces alanine 722 with serine.
Molecular consequence: missense variant.
Genome position (GRCh38, 1-based): chr16:88,429,634, G>T. VCF-style: chr16-88429634-G-T. GRCh37 (hg19) VCF-style: chr16-88496042-G-T.
Other names: NM_001127464.1:c.2164G>T; short protein forms A722S.
Identifiers: ClinVar variation 2217323 (VCV002217323.4), dbSNP rs989136489, ClinGen allele CA286373413.

ClinVar aggregate classification (germline): Uncertain significance. Review status: criteria provided, multiple submitters, no conflicts (2 of 4 stars). 3 submissions from 3 submitters: Uncertain significance (3). Last evaluated 2024-07-28.

Conditions:
Cardiovascular phenotype. Identifiers: MedGen CN230736.

gnomAD v4.1: 10 of 1,544,404 alleles (0.00065%); highest among the groups gnomAD compares: Admixed American, 0.012%; no homozygotes.

Submissions (3):

GeneDx
Classification: Uncertain significance. Last evaluated: 2024-07-28. Review status: criteria provided, single submitter. Criteria: GeneDx Variant Classification Process June 2021. Collection method: clinical testing. Allele origin: germline. Affected: yes.
Comment: Not observed at significant frequency in large population cohorts (gnomAD); In silico analysis indicates that this missense variant does not alter protein structure/function; Has not been previously published as pathogenic or benign to our knowledge

Labcorp Genetics (formerly Invitae), Labcorp
Classification: Uncertain significance. Last evaluated: 2024-04-05. Review status: criteria provided, single submitter. Criteria: Invitae Variant Classification Sherloc (09022015). Collection method: clinical testing. Allele origin: germline.
Comment: This sequence change replaces alanine, which is neutral and non-polar, with serine, which is neutral and polar, at codon 722 of the ZNF469 protein (p.Ala722Ser). The frequency data for this variant in the population databases is considered unreliable, as metrics indicate poor data quality at this position in the gnomAD database. This variant has not been reported in the literature in individuals affected with ZNF469-related conditions. ClinVar contains an entry for this variant (Variation ID: 2217323). An algorithm developed to predict the effect of missense changes on protein structure and function (PolyPhen-2) suggests that this variant is likely to be disruptive. In summary, the available evidence is currently insufficient to determine the role of this variant in disease. Therefore, it has been classified as a Variant of Uncertain Significance.

Ambry Genetics
Classification: Uncertain significance for Cardiovascular phenotype. Last evaluated: 2023-01-05. Review status: criteria provided, single submitter. Criteria: Ambry Variant Classification Scheme 2023. Collection method: clinical testing. Allele origin: germline.
Comment: The p.A722S variant (also known as c.2164G>T), located in coding exon 1 of the ZNF469 gene, results from a G to T substitution at nucleotide position 2164. The alanine at codon 722 is replaced by serine, an amino acid with similar properties. This amino acid position is conserved. In addition, this alteration is predicted to be tolerated by in silico analysis. Since supporting evidence is limited at this time, the clinical significance of this alteration remains unclear.